The following is an entry in ClinVar:

NM_001323289.2(CDKL5):c.2573G>A (p.Arg858His)

Gene: CDKL5 (cyclin dependent kinase like 5; plus strand). Cytogenetic location: Xp22.13.
Variant type: single nucleotide variant.
Coding change: c.2573G>A on transcript NM_001323289.2 (MANE Select); coding-DNA position 2573, G replaced by A.
Protein change: p.Arg858His; replaces arginine 858 with histidine.
Molecular consequence: missense variant.
Genome position (GRCh38, 1-based): chrX:18,628,447, G>A. VCF-style: chrX-18628447-G-A. GRCh37 (hg19) VCF-style: chrX-18646567-G-A.
Other names: c.2573G>A, p.Arg858His (NM_001037343.2, NM_003159.3); short protein forms R858H.
Identifiers: ClinVar variation 392468 (VCV000392468.9), dbSNP rs759083770, ClinGen allele CA10360568.

ClinVar aggregate classification (germline): Conflicting classifications of pathogenicity. Review status: criteria provided, conflicting classifications (1 of 4 stars). 2 submissions from 2 submitters: Uncertain significance (1); Likely benign (1). Last evaluated 2024-04-26.

Conditions:
Developmental and epileptic encephalopathy, 2 (DEE2). Also called: INFANTILE SPASM SYNDROME, X-LINKED 2; CDKL5 deficiency disorder. Identifiers: Orphanet 1934, Orphanet 3451, Orphanet 505652, MedGen C4750718, MONDO:0010396, OMIM 300672.
Angelman syndrome-like. Identifiers: MedGen CN128785.

Allele frequency attached by ClinVar (database versions not stated): ExAC 0.00001; gnomAD exomes 0.00001; TOPMed 0.00001; gnomAD 0.00004.

Submissions (2):

Labcorp Genetics (formerly Invitae), Labcorp
Classification: Likely benign for Developmental and epileptic encephalopathy, 2; Angelman syndrome-like. Last evaluated: 2024-04-26. Review status: criteria provided, single submitter. Criteria: Invitae Variant Classification Sherloc (09022015). Collection method: clinical testing. Allele origin: germline.

GeneDx
Classification: Uncertain significance. Last evaluated: 2017-07-10. Review status: criteria provided, single submitter. Criteria: GeneDx Variant Classification (06012015). Collection method: clinical testing. Allele origin: germline. Affected: yes.
Comment: The R858H variant in the CDKL5 gene has not been reported previously as a pathogenic variant, nor as a benign variant, to our knowledge. The R858H variant was not observed in approximately 6500 individuals of European and African American ancestry in the NHLBI Exome Sequencing Project, indicating it is not a common benign variant in these populations. The R858H variant is a conservative amino acid substitution, which is not likely to impact secondary protein structure as these residues share similar properties. This substitution occurs at a position that is conserved across species, however, in silico analysis is inconsistent in its predictions as to whether or not the variant is damaging to the protein structure/function. We interpret R858H as a variant of uncertain significance.